The following is an entry in ClinVar:

ClinVar aggregate classification (germline): Conflicting classifications of pathogenicity. Review status: criteria provided, conflicting classifications (1 of 4 stars). 7 submissions from 7 submitters: Uncertain significance (3); Likely benign (4). Last evaluated 2026-01-21.

Conditions:
OTOGL-related disorder. Also called: OTOGL-related condition.
Inborn genetic diseases. Identifiers: MedGen C0950123, MeSH D030342.

Allele frequency attached by ClinVar (database versions not stated): gnomAD exomes 0.00010 and 0.00025; ExAC 0.00044; gnomAD 0.00105 and 0.00110; TOPMed 0.00106; ESP Exome Variant Server 0.00109; 1000 Genomes Project 0.00120; 1000 Genomes Project 30x 0.00125.
gnomAD v4.1: 296 of 1,521,632 alleles (0.019%); highest among the groups gnomAD compares: African/African-American, 0.31%; 3 homozygotes.

Submissions (7):

GeneDx
Classification: Uncertain significance. Last evaluated: 2026-01-21. Review status: criteria provided, single submitter. Criteria: GeneDx Variant Classification Process June 2021. Collection method: clinical testing. Allele origin: germline. Affected: yes.
Comment: Reported without a second variant in unrelated patients with hearing loss in published literature (PMID: 33136635); In silico analysis supports that this missense variant has a deleterious effect on protein structure/function; In silico analysis is inconclusive as to whether the variant alters gene splicing. In the absence of RNA/functional studies, the actual effect of this sequence change is unknown.; This variant is associated with the following publications: (PMID: 33136635)

Labcorp Genetics (formerly Invitae), Labcorp
Classification: Likely benign. Last evaluated: 2025-11-11. Review status: criteria provided, single submitter. Criteria: Invitae Variant Classification Sherloc (09022015). Collection method: clinical testing. Allele origin: germline.

PreventionGenetics, part of Exact Sciences
Classification: Likely benign for OTOGL-related condition. Last evaluated: 2024-11-06. Review status: criteria provided, single submitter. Criteria: ACMG Guidelines, 2015. Collection method: clinical testing. Allele origin: germline.
Comment: This variant is classified as likely benign based on ACMG/AMP sequence variant interpretation guidelines (Richards et al. 2015 PMID: 25741868, with internal and published modifications).

Blueprint Genetics
Classification: Uncertain significance. Last evaluated: 2024-07-04. Review status: criteria provided, single submitter. Criteria: ACMG Guidelines, 2015. Collection method: clinical testing. Allele origin: germline.

Ambry Genetics
Classification: Likely benign for Inborn genetic diseases. Last evaluated: 2023-02-15. Review status: criteria provided, single submitter. Criteria: Ambry Variant Classification Scheme 2023. Collection method: clinical testing. Allele origin: germline.

Center for Pediatric Genomic Medicine, Children's Mercy Hospital and Clinics
Classification: Uncertain significance. Last evaluated: 2017-04-11. Review status: criteria provided, single submitter. Criteria: ACMG Guidelines, 2015. Collection method: clinical testing. Allele origin: germline.

Laboratory for Molecular Medicine, Mass General Brigham Personalized Medicine
Classification: Likely benign. Last evaluated: 2014-11-24. Review status: criteria provided, single submitter. Criteria: LMM Criteria. Collection method: clinical testing. Allele origin: germline. Observed: 1 variant allele.
Comment: Cys2068Gly in exon 51 of OTOGL: This variant is not expected to have clinical si gnificance because it has been identified in 0.3% (14/4362) of African American chromosomes from a broad population by the NHLBI Exome Sequencing Project (dbSNP rs145929269).

NM_001378609.3(OTOGL):c.6229T>G (p.Cys2077Gly)

Gene: OTOGL (otogelin like; plus strand). Cytogenetic location: 12q21.31.
Variant type: single nucleotide variant.
Coding change: c.6229T>G on transcript NM_001378609.3 (MANE Select); coding-DNA position 6229, T replaced by G.
Protein change: p.Cys2077Gly; replaces cysteine 2077 with glycine.
Molecular consequence: missense variant.
Genome position (GRCh38, 1-based): chr12:80,358,862, T>G. VCF-style: chr12-80358862-T-G. GRCh37 (hg19) VCF-style: chr12-80752642-T-G.
Other names: c.6094T>G, p.Cys2032Gly (NM_001368062.3); c.6229T>G, p.Cys2077Gly (NM_001378610.3, NM_173591.7); short protein forms C2068G, C2032G, C2077G.
Identifiers: ClinVar variation 227825 (VCV000227825.19), dbSNP rs145929269, ClinGen allele CA6701952.